The following is an entry in ClinVar:

NC_000012.11:g.(?_133237549)_(133263907_?)dup

Genes: POLE (DNA polymerase epsilon, catalytic subunit; minus strand), LOC130009266 (ATAC-STARR-seq lymphoblastoid silent region 5123; plus strand). Cytogenetic location: 12q24.33.
Variant type: Duplication.
Identifiers: ClinVar variation 583688 (VCV000583688.1).

ClinVar aggregate classification (germline): Uncertain significance (1 of 4 stars; one submission).

Conditions:
Colorectal cancer, susceptibility to, 12 (CRCS12). Also called: COLORECTAL CANCER, SUSCEPTIBILITY TO, ON CHROMOSOME 12q24. Identifiers: Orphanet 220460, MedGen C3554460, MONDO:0014038, OMIM 615083.

Submission:

Labcorp Genetics (formerly Invitae), Labcorp
Classification: Uncertain significance for Colorectal cancer, susceptibility to, 12. Last evaluated: 2018-02-13. Review status: criteria provided, single submitter. Criteria: Invitae Variant Classification Sherloc (09022015). Collection method: clinical testing. Allele origin: germline.
Comment: This variant is a gross duplication of the genomic region encompassing exons 1-25 of the POLE gene. The 5' end of this event is unknown as it extends beyond the assayed region for this gene and therefore may encompass additional genes. The 3' boundary is likely confined to intron 25 of the POLE gene. The exact location of this variant in the genome is unknown. This variant has not been reported in the literature in individuals with POLE-related disease. Experimental studies and prediction algorithms are not available for this variant, and the functional significance of the duplicated amino acids is currently unknown. In summary, the available evidence is currently insufficient to determine the role of this variant in disease. Therefore, it has been classified as a Variant of Uncertain Significance.